The following is an entry in ClinVar:

ClinVar aggregate classification (germline): Uncertain significance (1 of 4 stars; one submission).

Conditions:
Developmental and epileptic encephalopathy, 32 (DEE32). Also called: Epileptic encephalopathy, early infantile, 32. Identifiers: Orphanet 442835, MedGen C4225350, MONDO:0014607, OMIM 616366.

Submission:

Labcorp Genetics (formerly Invitae), Labcorp
Classification: Uncertain significance for Developmental and epileptic encephalopathy, 32. Last evaluated: 2025-08-30. Review status: criteria provided, single submitter. Criteria: Invitae Variant Classification Sherloc (09022015). Collection method: clinical testing. Allele origin: germline.
Comment: This sequence change replaces arginine, which is basic and polar, with lysine, which is basic and polar, at codon 473 of the KCNA2 protein (p.Arg473Lys). This variant is not present in population databases (gnomAD no frequency). This variant has not been reported in the literature in individuals affected with KCNA2-related conditions. Invitae Evidence Modeling of protein sequence and biophysical properties (such as structural, functional, and spatial information, amino acid conservation, physicochemical variation, residue mobility, and thermodynamic stability) indicates that this missense variant is not expected to disrupt KCNA2 protein function with a negative predictive value of 95%. In summary, the available evidence is currently insufficient to determine the role of this variant in disease. Therefore, it has been classified as a Variant of Uncertain Significance.

NM_004974.4(KCNA2):c.1418G>A (p.Arg473Lys)

Gene: KCNA2 (potassium voltage-gated channel subfamily A member 2; minus strand). Cytogenetic location: 1p13.3.
Variant type: single nucleotide variant.
Coding change: c.1418G>A on transcript NM_004974.4 (MANE Select); coding-DNA position 1418, G replaced by A.
Protein change: p.Arg473Lys; replaces arginine 473 with lysine.
Molecular consequence: missense variant. On other transcripts: intron variant (1).
Genome position (GRCh38, 1-based): chr1:110,603,365, C>T on the plus strand (G>A on the coding strand, the complement: KCNA2 is on the minus strand). VCF-style: chr1-110603365-C-T. GRCh37 (hg19) VCF-style: chr1-111145987-C-T.
Other names: c.894+524G>A (NM_001204269.2); short protein forms R473K.
Identifiers: ClinVar variation 4799922 (VCV004799922.1).